The following is an entry in ClinVar:

ClinVar aggregate classification (germline): Conflicting classifications of pathogenicity. Review status: criteria provided, conflicting classifications (1 of 4 stars). 3 submissions from 3 submitters: Uncertain significance (2); Likely benign (1). Last evaluated 2024-09-20.

Conditions:
COG1 congenital disorder of glycosylation (CDG2G). Also called: CONGENITAL DISORDER OF GLYCOSYLATION, TYPE IIg; CDG IIg; CDGII/COG1 CEREBROCOSTOMANDIBULAR-LIKE SYNDROME. Identifiers: Orphanet 263508, MedGen C2931011, MONDO:0012637, OMIM 611209.
Inborn genetic diseases. Identifiers: MedGen C0950123, MeSH D030342.

Allele frequency attached by ClinVar (database versions not stated): gnomAD exomes 0.00005 and 0.00011; ExAC 0.00007; gnomAD 0.00012 and 0.00013; TOPMed 0.00014; 1000 Genomes Project 30x 0.00016; 1000 Genomes Project 0.00020.

Submissions (3):

3billion
Classification: Likely benign for COG1 congenital disorder of glycosylation. Last evaluated: 2024-09-20. Review status: criteria provided, single submitter. Criteria: ACMG Guidelines, 2015. Collection method: clinical testing. Allele origin: germline. Affected: no.
Comment: The homozygous variant was found in patients diagnosed with another variant in a different gene, with no symptoms related to the gene containing the homozygous variant.

Ambry Genetics
Classification: Uncertain significance for Inborn genetic diseases. Last evaluated: 2021-04-29. Review status: criteria provided, single submitter. Criteria: Ambry Variant Classification Scheme 2023. Collection method: clinical testing. Allele origin: germline.

Illumina Laboratory Services, Illumina
Classification: Uncertain significance for COG1 congenital disorder of glycosylation. Last evaluated: 2018-01-13. Review status: criteria provided, single submitter. Criteria: ICSL Variant Classification Criteria 13 December 2019. Collection method: clinical testing. Allele origin: germline.

NM_018714.3(COG1):c.542C>T (p.Ala181Val)

Gene: COG1 (component of oligomeric golgi complex 1; plus strand). Cytogenetic location: 17q25.1.
Variant type: single nucleotide variant.
Coding change: c.542C>T on transcript NM_018714.3 (MANE Select); coding-DNA position 542, C replaced by T.
Protein change: p.Ala181Val; replaces alanine 181 with valine.
Molecular consequence: missense variant.
Genome position (GRCh38, 1-based): chr17:73,196,733, C>T. VCF-style: chr17-73196733-C-T. GRCh37 (hg19) VCF-style: chr17-71192872-C-T.
Other names: short protein forms A181V.
Identifiers: ClinVar variation 324962 (VCV000324962.8), dbSNP rs534708439, ClinGen allele CA8739985.